The following is an entry in ClinVar:

ClinVar aggregate classification (germline): Uncertain significance (1 of 4 stars; one submission).

Conditions:
Leukodystrophy, hypomyelinating, 24 (HLD24). Identifiers: MedGen C5676974, MONDO:0859242, OMIM 619851.
Auditory neuropathy, autosomal dominant 2 (AUNA2). Identifiers: MedGen C5830542, MONDO:0957279, OMIM 620384.
Hearing loss, autosomal dominant 84. Also called: DEAFNESS, AUTOSOMAL DOMINANT 84. Identifiers: MedGen C5676952, MONDO:0030724, OMIM 619810.

Submission:

Juno Genomics, Hangzhou Juno Genomics, Inc
Classification: Uncertain significance for Auditory neuropathy, autosomal dominant 2; Leukodystrophy, hypomyelinating, 24; Hearing loss, autosomal dominant 84. Review status: criteria provided, single submitter. Criteria: ACMG Guidelines, 2015. Collection method: clinical testing. Allele origin: germline.
Comment: Absent from controls (or at extremely low frequency if recessive) in Genome Aggregation Database.;Multiple lines of computational evidence support a deleterious effect on the gene or gene product.

NM_015205.3(ATP11A):c.163-2A>C

Gene: ATP11A (ATPase phospholipid transporting 11A; plus strand). Cytogenetic location: 13q34.
Variant type: single nucleotide variant.
Coding change: c.163-2A>C on transcript NM_015205.3 (MANE Select); the canonical splice acceptor site of the intron before coding-DNA position 163, A replaced by C.
Molecular consequence: splice acceptor variant.
Genome position (GRCh38, 1-based): chr13:112,804,955, A>C. VCF-style: chr13-112804955-A-C. GRCh37 (hg19) VCF-style: chr13-113459269-A-C.
Other names: c.163-2A>C (NM_001405663.1, NM_001405661.1, NM_032189.4 and 1 more transcripts).
Identifiers: ClinVar variation 5019696 (VCV005019696.2).
Genomic context (GRCh38, chr13:112,804,955, plus strand): 5'-GAGTAACACTACAAGAGTAAAATCTGATCTCAATGATGGATGTTTGTTTTTCTTTTATGC[A>C]GTACACATTTTGGAACTTTATACCCAAGAATTTATTTGAACAATTCAGAAGAGTAGCCAA-3'